The following is an entry in ClinVar:

NM_018979.4(WNK1):c.6166T>G (p.Ser2056Ala)

Gene: WNK1 (WNK lysine deficient protein kinase 1; plus strand). Cytogenetic location: 12p13.33.
Variant type: single nucleotide variant.
Coding change: c.6166T>G on transcript NM_018979.4 (MANE Select); coding-DNA position 6166, T replaced by G.
Protein change: p.Ser2056Ala; replaces serine 2056 with alanine.
Molecular consequence: missense variant.
Genome position (GRCh38, 1-based): chr12:896,653, T>G. VCF-style: chr12-896653-T-G. GRCh37 (hg19) VCF-style: chr12-1005819-T-G.
Other names: c.6946T>G, p.Ser2316Ala (NM_001184985.2); c.5422T>G, p.Ser1808Ala (NM_014823.3); c.6922T>G, p.Ser2308Ala (NM_213655.5); short protein forms S2056A, S1808A, S2308A, S2316A.
Identifiers: ClinVar variation 2945130 (VCV002945130.3), dbSNP rs2497557574, ClinGen allele CA383336815.

ClinVar aggregate classification (germline): Uncertain significance (1 of 4 stars; one submission).

Conditions:
Neuropathy, hereditary sensory and autonomic, type 2A (HSAN2A). Also called: ACROOSTEOLYSIS, GIACCAI TYPE; ACROOSTEOLYSIS, NEUROGENIC; MORVAN DISEASE; NEUROPATHY, CONGENITAL SENSORY; NEUROPATHY, HEREDITARY SENSORY RADICULAR, AUTOSOMAL RECESSIVE; NEUROPATHY, HEREDITARY SENSORY, TYPE IIA. Identifiers: Orphanet 970, MedGen C2752089, MONDO:0024309, OMIM 201300.
Pseudohypoaldosteronism type 2C (PHA2C). Also called: Pseudohypoaldosteronism Type IIC. Identifiers: Orphanet 757, Orphanet 88940, MedGen C1840391, MONDO:0013778, OMIM 614492.

Submission:

Labcorp Genetics (formerly Invitae), Labcorp
Classification: Uncertain significance for Neuropathy, hereditary sensory and autonomic, type 2A; Pseudohypoaldosteronism type 2C. Last evaluated: 2023-03-08. Review status: criteria provided, single submitter. Criteria: Invitae Variant Classification Sherloc (09022015). Collection method: clinical testing. Allele origin: germline.
Comment: Advanced modeling of protein sequence and biophysical properties (such as structural, functional, and spatial information, amino acid conservation, physicochemical variation, residue mobility, and thermodynamic stability) performed at Invitae indicates that this missense variant is not expected to disrupt WNK1 protein function. In summary, the available evidence is currently insufficient to determine the role of this variant in disease. Therefore, it has been classified as a Variant of Uncertain Significance. This variant has not been reported in the literature in individuals affected with WNK1-related conditions. This variant is not present in population databases (gnomAD no frequency). This sequence change replaces serine, which is neutral and polar, with alanine, which is neutral and non-polar, at codon 2308 of the WNK1 protein (p.Ser2308Ala).